The following is an entry in ClinVar:

ClinVar aggregate classification (germline): Uncertain significance (1 of 4 stars; one submission).

Submission:

Labcorp Genetics (formerly Invitae), Labcorp
Classification: Uncertain significance. Last evaluated: 2022-05-27. Review status: criteria provided, single submitter. Criteria: Invitae Variant Classification Sherloc (09022015). Collection method: clinical testing. Allele origin: germline.
Comment: In summary, the available evidence is currently insufficient to determine the role of this variant in disease. Therefore, it has been classified as a Variant of Uncertain Significance. Algorithms developed to predict the effect of missense changes on protein structure and function are either unavailable or do not agree on the potential impact of this missense change (SIFT: "Tolerated"; PolyPhen-2: "Probably Damaging"; Align-GVGD: "Class C0"). This variant has not been reported in the literature in individuals affected with RP2-related conditions. This variant is not present in population databases (gnomAD no frequency). This sequence change replaces glycine, which is neutral and non-polar, with serine, which is neutral and polar, at codon 2 of the RP2 protein (p.Gly2Ser).

NM_006915.3(RP2):c.4G>A (p.Gly2Ser)

Genes: RP2 (RP2 activator of ARL3 GTPase; plus strand), LOC130068202 (ATAC-STARR-seq lymphoblastoid active region 29577; plus strand). Cytogenetic location: Xp11.3.
Variant type: single nucleotide variant.
Coding change: c.4G>A on transcript NM_006915.3 (MANE Select); coding-DNA position 4, G replaced by A.
Protein change: p.Gly2Ser; replaces glycine 2 with serine.
Molecular consequence: missense variant.
Genome position (GRCh38, 1-based): chrX:46,837,104, G>A. VCF-style: chrX-46837104-G-A. GRCh37 (hg19) VCF-style: chrX-46696539-G-A.
Other names: short protein forms G2S.
Identifiers: ClinVar variation 1999458 (VCV001999458.4), dbSNP rs1556313408, ClinGen allele CA413038139.
Genomic context (GRCh38, chrX:46,837,104, plus strand): 5'-CACTCTAGGAAGTGCCTGAGCTAGTGAGCTGGCCAACGAGCTCCGCGGGCTGGGACCATG[G>A]GCTGCTTCTTCTCCAAGAGACGGAAGGCTGACAAGGAGTCGCGGCCCGAGAACGAGGAGG-3'
Protein context (NP_008846.2, residues 1-12): M[Gly2Ser]CFFSKRRKAD